The following is an entry in ClinVar:

NM_005535.3(IL12RB1):c.1229A>G (p.Gln410Arg)

Gene: IL12RB1 (interleukin 12 receptor subunit beta 1; minus strand). Cytogenetic location: 19p13.11.
Variant type: single nucleotide variant.
Coding change: c.1229A>G on transcript NM_005535.3 (MANE Select); coding-DNA position 1229, A replaced by G.
Protein change: p.Gln410Arg; replaces glutamine 410 with arginine.
Molecular consequence: missense variant.
Genome position (GRCh38, 1-based): chr19:18,068,487, T>C on the plus strand (A>G on the coding strand, the complement: IL12RB1 is on the minus strand). VCF-style: chr19-18068487-T-C. GRCh37 (hg19) VCF-style: chr19-18179297-T-C.
Other names: c.1229A>G, p.Gln410Arg (NM_001290023.2); c.1349A>G, p.Gln450Arg (NM_001290024.2); short protein forms Q410R, Q450R.
Identifiers: ClinVar variation 1928958 (VCV001928958.5), dbSNP rs777395626, ClinGen allele CA404777781.

ClinVar aggregate classification (germline): Uncertain significance (1 of 4 stars; one submission).

Conditions:
Mendelian susceptibility to mycobacterial diseases due to complete IL12RB1 deficiency. Also called: IL12RB1 DEFICIENCY; Immunodeficiency 30. Identifiers: Orphanet 319552, MedGen C4013949, MONDO:0013955, OMIM 614891.

gnomAD v4.1: 2 of 1,612,182 alleles (0.00012%); highest among the groups gnomAD compares: Non-Finnish European, 0.00017%; no homozygotes.

Submission:

Labcorp Genetics (formerly Invitae), Labcorp
Classification: Uncertain significance for Mendelian susceptibility to mycobacterial diseases due to complete IL12RB1 deficiency. Last evaluated: 2022-08-22. Review status: criteria provided, single submitter. Criteria: Invitae Variant Classification Sherloc (09022015). Collection method: clinical testing. Allele origin: germline.
Comment: This sequence change replaces glutamine, which is neutral and polar, with arginine, which is basic and polar, at codon 410 of the IL12RB1 protein (p.Gln410Arg). This variant is not present in population databases (gnomAD no frequency). This variant has not been reported in the literature in individuals affected with IL12RB1-related conditions. Algorithms developed to predict the effect of missense changes on protein structure and function (SIFT, PolyPhen-2, Align-GVGD) all suggest that this variant is likely to be tolerated. In summary, the available evidence is currently insufficient to determine the role of this variant in disease. Therefore, it has been classified as a Variant of Uncertain Significance.